The following is an entry in ClinVar:

ClinVar aggregate classification (germline): Likely pathogenic (1 of 4 stars; one submission).

Conditions:
Hereditary cancer-predisposing syndrome. Also called: Hereditary Cancer Syndrome; Hereditary neoplastic syndrome; Neoplastic Syndromes, Hereditary; Tumor predisposition. Identifiers: Orphanet 140162, MedGen C0027672, MeSH D009386, MONDO:0015356.
Familial thoracic aortic aneurysm and aortic dissection (TAAD). Also called: Thoracic aortic aneurysms and dissections. Identifiers: Orphanet 91387, MedGen C4707243, MONDO:0019625.

Submission:

Ambry Genetics
Classification: Likely pathogenic for Hereditary cancer-predisposing syndrome; Familial thoracic aortic aneurysm and aortic dissection. Last evaluated: 2014-07-22. Review status: criteria provided, single submitter. Criteria: Ambry Variant Classification Scheme 2023. Collection method: clinical testing. Allele origin: germline.
Comment: The c.424+1G>T intronic variant results from a G to T substitution one nucleotide after coding exon 2 of the SMAD4 gene. This variant was not reported in population based cohorts in the following databases: Database of Single Nucleotide Polymorphisms (dbSNP), NHLBI Exome Sequencing Project (ESP), and 1000 Genomes Project. In the ESP, this variant was not observed in 6503 samples (13,006 alleles) with coverage at this position. To date, this alteration has been detected with an allele frequency of approximately 0.005% (greater than 20000 alleles tested) in our clinical cohort. This nucleotide position is highly conserved in available vertebrate species. Using the BDGP and ESEfinder splice site prediction tools, this alteration is predicted to abolish the native donor splice site; however, direct evidence is unavailable. Alterations that disrupt the canonical splice donor site are typically deleterious in nature (ACMG Recommendations for Standards for Interpretation and Reporting of Sequence Variations. Revision 2007. Genet Med. 2008;10:294). As such, the c.424+1G>T variant is classified as likely pathogenic.

NM_005359.6(SMAD4):c.424+1G>T

Gene: SMAD4 (SMAD family member 4; plus strand). Cytogenetic location: 18q21.2.
Variant type: single nucleotide variant.
Coding change: c.424+1G>T on transcript NM_005359.6 (MANE Select); the canonical splice donor site of the intron after coding-DNA position 424, G replaced by T.
Molecular consequence: splice donor variant.
Genome position (GRCh38, 1-based): chr18:51,048,861, G>T. VCF-style: chr18-51048861-G-T. GRCh37 (hg19) VCF-style: chr18-48575231-G-T.
Other names: c.424+1G>T (NM_001407042.1, NM_001407041.1, NM_001407043.1).
Identifiers: ClinVar variation 1738996 (VCV001738996.2), dbSNP rs377767386, ClinGen allele CA402458918.